The following is an entry in ClinVar:

NM_016642.4(SPTBN5):c.689G>A (p.Arg230His)

Gene: SPTBN5 (spectrin beta, non-erythrocytic 5; minus strand). Cytogenetic location: 15q15.1.
Variant type: single nucleotide variant.
Coding change: c.689G>A on transcript NM_016642.4 (MANE Select); coding-DNA position 689, G replaced by A.
Protein change: p.Arg230His; replaces arginine 230 with histidine.
Molecular consequence: missense variant.
Genome position (GRCh38, 1-based): chr15:41,887,412, C>T on the plus strand (G>A on the coding strand, the complement: SPTBN5 is on the minus strand). VCF-style: chr15-41887412-C-T. GRCh37 (hg19) VCF-style: chr15-42179610-C-T.
Other names: c.689G>A (NM_016642.3); short protein forms R230H.
Identifiers: ClinVar variation 2271413 (VCV002271413.28), dbSNP rs141541070, ClinGen allele CA7504333.

ClinVar aggregate classification (germline): Conflicting classifications of pathogenicity. Review status: criteria provided, conflicting classifications (1 of 4 stars). 3 submissions from 3 submitters: Uncertain significance (1); Benign (1). 1 of the submissions does not count toward it. Last evaluated 2024-07-07.

Conditions:
SPTBN5-related disorder. Also called: SPTBN5-related condition.

Allele frequency attached by ClinVar (database versions not stated): 1000 Genomes Project 30x 0.00031; 1000 Genomes Project 0.00040; gnomAD 0.00048; ESP Exome Variant Server 0.00049; TOPMed 0.00056; ExAC 0.00113.
gnomAD v4.1: 1,431 of 1,553,136 alleles (0.092%); highest among the groups gnomAD compares: South Asian, 0.15%; 1 homozygote.

Submissions (3):

Ambry Genetics
Classification: Uncertain significance. Last evaluated: 2024-07-07. Review status: criteria provided, single submitter. Criteria: Ambry Variant Classification Scheme 2023. Collection method: clinical testing. Allele origin: germline.

CeGaT Center for Human Genetics Tuebingen
Classification: Benign. Last evaluated: 2022-07-01. Review status: criteria provided, single submitter. Criteria: CeGaT Center For Human Genetics Tuebingen Variant Classification Criteria Version 2. Collection method: clinical testing. Allele origin: germline. Affected: yes. Observed: 1 variant allele.
Comment: SPTBN5: BS1, BS2

PreventionGenetics, part of Exact Sciences
Classification: Likely benign for SPTBN5-related condition. Last evaluated: 2023-03-20. Review status: no assertion criteria provided. Collection method: clinical testing. Allele origin: germline. Not counted in ClinVar's aggregate classification.
Comment: This variant is classified as likely benign based on ACMG/AMP sequence variant interpretation guidelines (Richards et al. 2015 PMID: 25741868, with internal and published modifications).